The following is an entry in ClinVar:

NM_000051.4(ATM):c.5127G>T (p.Gln1709His)

Gene: ATM (ATM serine/threonine kinase; plus strand). Cytogenetic location: 11q22.3.
Variant type: single nucleotide variant.
Coding change: c.5127G>T on transcript NM_000051.4 (MANE Select); coding-DNA position 5127, G replaced by T.
Protein change: p.Gln1709His; replaces glutamine 1709 with histidine.
Molecular consequence: missense variant.
Genome position (GRCh38, 1-based): chr11:108,299,835, G>T. VCF-style: chr11-108299835-G-T. GRCh37 (hg19) VCF-style: chr11-108170562-G-T.
Other names: c.5127G>T, p.Gln1709His (NM_001351834.2); short protein forms Q1709H.
Identifiers: ClinVar variation 3720460 (VCV003720460.2).

ClinVar aggregate classification (germline): Uncertain significance (1 of 4 stars; one submission).

Conditions:
Ataxia-telangiectasia syndrome (AT). Also called: ATAXIA-TELANGIECTASIA, COMPLEMENTATION GROUP A; ATAXIA-TELANGIECTASIA, FRESNO VARIANT; Ataxia-telangiectasia; Ataxia-telangiectasia, complementation group E; Ataxia telangiectasia (A-T); LOUIS-BAR SYNDROME. Identifiers: Orphanet 100, MedGen C0004135, MONDO:0008840, OMIM 208900.

Submission:

Labcorp Genetics (formerly Invitae), Labcorp
Classification: Uncertain significance for Ataxia-telangiectasia syndrome. Last evaluated: 2024-09-28. Review status: criteria provided, single submitter. Criteria: Invitae Variant Classification Sherloc (09022015). Collection method: clinical testing. Allele origin: germline.
Comment: This sequence change replaces glutamine, which is neutral and polar, with histidine, which is basic and polar, at codon 1709 of the ATM protein (p.Gln1709His). This variant is not present in population databases (gnomAD no frequency). This variant has not been reported in the literature in individuals affected with ATM-related conditions. An algorithm developed to predict the effect of missense changes on protein structure and function (PolyPhen-2) suggests that this variant is likely to be tolerated. In summary, the available evidence is currently insufficient to determine the role of this variant in disease. Therefore, it has been classified as a Variant of Uncertain Significance.